The following is an entry in ClinVar:

NM_004329.3(BMPR1A):c.1491G>A (p.Leu497=)

Gene: BMPR1A (bone morphogenetic protein receptor type 1A; plus strand). Cytogenetic location: 10q23.2.
Variant type: single nucleotide variant.
Coding change: c.1491G>A on transcript NM_004329.3 (MANE Select); coding-DNA position 1491, G replaced by A.
Protein change: p.Leu497=; no amino-acid change (leucine 497 retained).
Molecular consequence: synonymous variant.
Genome position (GRCh38, 1-based): chr10:86,923,611, G>A. VCF-style: chr10-86923611-G-A. GRCh37 (hg19) VCF-style: chr10-88683368-G-A.
Identifiers: ClinVar variation 514892 (VCV000514892.4), dbSNP rs1554891647, ClinGen allele CA470308819.

ClinVar aggregate classification (germline): Benign/Likely benign. Review status: criteria provided, multiple submitters, no conflicts (2 of 4 stars). 3 submissions from 3 submitters: Benign (1); Likely benign (2). Last evaluated 2024-08-08.

Conditions:
Juvenile polyposis syndrome (JPS). Identifiers: Orphanet 2929, MedGen C0345893, MONDO:0017380, OMIM 174900.
Hereditary cancer-predisposing syndrome. Also called: Neoplastic Syndromes, Hereditary; Tumor predisposition; Hereditary Cancer Syndrome; Hereditary neoplastic syndrome. Identifiers: Orphanet 140162, MedGen C0027672, MeSH D009386, MONDO:0015356.

Submissions (3):

Myriad Genetics, Inc.
Classification: Benign for Juvenile polyposis syndrome. Last evaluated: 2024-08-08. Review status: criteria provided, single submitter. Criteria: Myriad Autosomal Dominant, Autosomal Recessive and X-Linked Classification Criteria (2023). Collection method: clinical testing. Allele origin: unknown.
Comment: This variant is considered benign. This variant is a silent/synonymous amino acid change and it is not expected to impact splicing.

Ambry Genetics
Classification: Likely benign for Hereditary cancer-predisposing syndrome. Last evaluated: 2021-10-09. Review status: criteria provided, single submitter. Criteria: Ambry Variant Classification Scheme 2023. Collection method: clinical testing. Allele origin: germline.

GeneDx
Classification: Likely benign. Last evaluated: 2018-01-18. Review status: criteria provided, single submitter. Criteria: GeneDx Variant Classification (06012015). Collection method: clinical testing. Allele origin: germline. Affected: yes.
Comment: This variant is considered likely benign or benign based on one or more of the following criteria: it is a conservative change, it occurs at a poorly conserved position in the protein, it is predicted to be benign by multiple in silico algorithms, and/or has population frequency not consistent with disease.